The following is an entry in ClinVar:

ClinVar aggregate classification (germline): Pathogenic, low penetrance (1 of 4 stars; one submission).

Conditions:
Atypical hemolytic-uremic syndrome. Identifiers: Orphanet 2134, MedGen C2931788, MONDO:0016244.

Submission:

Genomenon, Inc
Classification: Pathogenic, low penetrance for Atypical hemolytic-uremic syndrome. Last evaluated: 2025-10-02. Review status: criteria provided, single submitter. Criteria: Genomenon Sequence Variant Interpretation Standards. Collection method: curation. Allele origin: germline. Affected: yes.
Comment: CD46 p.Tyr117SerfsTer17 (c.350del) is a frameshift variant that results in the production of a truncated protein which is predicted to undergo nonsense-mediated mRNA decay. This variant has been observed in at least one proband affected with atypical hemolytic-uremic syndrome (PMID:27799617). It is absent or not present at a significant frequency in gnomAD. In conclusion, we classify CD46 p.Tyr117SerfsTer17 (c.350del) as a pathogenic variant.

Literature cited by the submitters: PubMed 27799617.

NM_172351.3(CD46):c.350del (p.Tyr117fs)

Gene: CD46 (CD46 molecule; plus strand). Cytogenetic location: 1q32.2.
Variant type: Deletion.
Coding change: c.350del on transcript NM_172351.3 (MANE Select); coding-DNA position 350, one base deleted (A; older notation c.350delA).
Protein change: p.Tyr117fs; shifts the reading frame from tyrosine 117.
Molecular consequence: frameshift variant.
Genome position (GRCh38, 1-based): chr1:207,757,603, A deleted. VCF-style (leftmost placement, unchanged base first): chr1-207757602-TA-T. GRCh37 (hg19) VCF-style: chr1-207930947-TA-T.
Other names: c.350del, p.Tyr117fs (NM_002389.4, NM_153826.4, NM_172350.3 and 8 more transcripts); short protein forms Y117fs.
Identifiers: ClinVar variation 4291267 (VCV004291267.1).